The following is an entry in ClinVar:

ClinVar aggregate classification (germline): Uncertain significance. Review status: criteria provided, multiple submitters, no conflicts (2 of 4 stars). 3 submissions from 3 submitters: Uncertain significance (3). Last evaluated 2024-04-08.

Conditions:
Primary ciliary dyskinesia. Also called: Ciliary dyskinesia. Identifiers: Orphanet 244, MedGen C0008780, MONDO:0016575, HP:0012265.
Primary ciliary dyskinesia 2. Also called: CILIARY DYSKINESIA, PRIMARY, 2, WITH OR WITHOUT SITUS INVERSUS. Identifiers: Orphanet 244, MedGen C1847554, MONDO:0011718, OMIM 606763.

Allele frequency attached by ClinVar (database versions not stated): gnomAD 0.00001; gnomAD exomes 0.00001 and 0.00002; ExAC 0.00002; TOPMed 0.00002; 1000 Genomes Project 30x 0.00016; 1000 Genomes Project 0.00020.

Submissions (3):

Ambry Genetics
Classification: Uncertain significance for Primary ciliary dyskinesia. Last evaluated: 2024-04-08. Review status: criteria provided, single submitter. Criteria: Ambry Variant Classification Scheme 2023. Collection method: clinical testing. Allele origin: germline.

Fulgent Genetics
Classification: Uncertain significance for Primary ciliary dyskinesia 2. Last evaluated: 2021-10-11. Review status: criteria provided, single submitter. Criteria: ACMG Guidelines, 2015. Collection method: clinical testing. Allele origin: unknown.

Labcorp Genetics (formerly Invitae), Labcorp
Classification: Uncertain significance for Primary ciliary dyskinesia. Last evaluated: 2019-06-29. Review status: criteria provided, single submitter. Criteria: Invitae Variant Classification Sherloc (09022015). Collection method: clinical testing. Allele origin: germline.
Comment: This sequence change replaces leucine with proline at codon 329 of the DNAAF3 protein (p.Leu329Pro). The leucine residue is moderately conserved and there is a moderate physicochemical difference between leucine and proline. This variant is present in population databases (rs534298243, ExAC 0.02%). This variant has not been reported in the literature in individuals with DNAAF3-related conditions. Algorithms developed to predict the effect of missense changes on protein structure and function are either unavailable or do not agree on the potential impact of this missense change (SIFT: "Deleterious"; PolyPhen-2: "Probably Damaging"; Align-GVGD: "Class C0"). In summary, the available evidence is currently insufficient to determine the role of this variant in disease. Therefore, it has been classified as a Variant of Uncertain Significance.

NM_001256715.2(DNAAF3):c.782T>C (p.Leu261Pro)

Genes: DNAAF3 (dynein axonemal assembly factor 3; minus strand), DNAAF3-AS1 (DNAAF3 antisense RNA 1; plus strand). Cytogenetic location: 19q13.42.
Variant type: single nucleotide variant.
Coding change: c.782T>C on transcript NM_001256715.2 (MANE Select); coding-DNA position 782, T replaced by C.
Protein change: p.Leu261Pro; replaces leucine 261 with proline.
Molecular consequence: missense variant.
Genome position (GRCh38, 1-based): chr19:55,161,300, A>G on the plus strand (T>C on the coding strand, the complement: DNAAF3 is on the minus strand). VCF-style: chr19-55161300-A-G. GRCh37 (hg19) VCF-style: chr19-55672668-A-G.
Other names: c.620T>C, p.Leu207Pro (NM_001256716.2); c.923T>C, p.Leu308Pro (NM_178837.4); c.986T>C, p.Leu329Pro (NM_001256714.1); short protein forms L207P, L329P, L261P, L308P.
Identifiers: ClinVar variation 941083 (VCV000941083.5), dbSNP rs534298243, ClinGen allele CA9668071.